The following is an entry in ClinVar:

ClinVar aggregate classification (germline): Benign. Review status: criteria provided, multiple submitters, no conflicts (2 of 4 stars). 3 submissions from 3 submitters: Benign (3). Last evaluated 2026-01-26.

Conditions:
Cataract 6 multiple types. Also called: CATARACT, AGE-RELATED CORTICAL, 2; CATARACT 6, POSTERIOR POLAR; CATARACT 6, CONGENITAL TOTAL. Identifiers: Orphanet 91492, MedGen C1861825, MONDO:0007288, OMIM 116600.

Allele frequency attached by ClinVar (database versions not stated): gnomAD exomes 0.00049 and 0.00137; ExAC 0.00167; gnomAD 0.00534 and 0.00582; 1000 Genomes Project 0.00579; ESP Exome Variant Server 0.00592; TOPMed 0.00595; 1000 Genomes Project 30x 0.00640.
gnomAD v4.1: 1,525 of 1,613,756 alleles (0.095%); highest among the groups gnomAD compares: African/African-American, 1.9%; 11 homozygotes.

Submissions (3):

Labcorp Genetics (formerly Invitae), Labcorp
Classification: Benign for Cataract 6 multiple types. Last evaluated: 2026-01-26. Review status: criteria provided, single submitter. Criteria: Invitae Variant Classification Sherloc (09022015). Collection method: clinical testing. Allele origin: germline.

Illumina Laboratory Services, Illumina
Classification: Benign for Cataract 6 multiple types. Last evaluated: 2018-01-12. Review status: criteria provided, single submitter. Criteria: ICSL Variant Classification Criteria 13 December 2019. Collection method: clinical testing. Allele origin: germline.
Comment: This variant was observed in the ICSL laboratory as part of a predisposition screen in an ostensibly healthy population. It had not been previously curated by ICSL or reported in the Human Gene Mutation Database (HGMD: prior to June 1st, 2018), and was therefore a candidate for classification through an automated scoring system. Utilizing variant allele frequency, disease prevalence and penetrance estimates, and inheritance mode, an automated score was calculated to assess if this variant is too frequent to cause the disease. Based on the score and internal cut-off values, a variant classified as benign is not then subjected to further curation. The score for this variant resulted in a classification of benign for this disease.

Breakthrough Genomics
Classification: Benign. Review status: criteria provided, single submitter. Criteria: ACMG Guidelines, 2015. Collection method: not provided. Allele origin: germline. Inheritance: Autosomal dominant inheritance. Affected: yes.

NM_004431.5(EPHA2):c.695A>G (p.Asp232Gly)

Gene: EPHA2 (EPH receptor A2; minus strand). Cytogenetic location: 1p36.13.
Variant type: single nucleotide variant.
Coding change: c.695A>G on transcript NM_004431.5 (MANE Select); coding-DNA position 695, A replaced by G.
Protein change: p.Asp232Gly; replaces aspartic acid 232 with glycine.
Molecular consequence: missense variant.
Genome position (GRCh38, 1-based): chr1:16,148,506, T>C on the plus strand (A>G on the coding strand, the complement: EPHA2 is on the minus strand). VCF-style: chr1-16148506-T-C. GRCh37 (hg19) VCF-style: chr1-16475001-T-C.
Other names: c.533A>G, p.Asp178Gly (NM_001329090.2); short protein forms D232G, D178G.
Identifiers: ClinVar variation 293442 (VCV000293442.16), dbSNP rs114498261, ClinGen allele CA625462.